The following is an entry in ClinVar:

NM_001013703.4(EIF2AK4):c.1849G>C (p.Ala617Pro)

Gene: EIF2AK4 (eukaryotic translation initiation factor 2 alpha kinase 4; plus strand). Cytogenetic location: 15q15.1.
Variant type: single nucleotide variant.
Coding change: c.1849G>C on transcript NM_001013703.4 (MANE Select); coding-DNA position 1849, G replaced by C.
Protein change: p.Ala617Pro; replaces alanine 617 with proline.
Molecular consequence: missense variant.
Genome position (GRCh38, 1-based): chr15:39,976,444, G>C. VCF-style: chr15-39976444-G-C. GRCh37 (hg19) VCF-style: chr15-40268645-G-C.
Other names: short protein forms A617P.
Identifiers: ClinVar variation 2636928 (VCV002636928.1), dbSNP rs2504569379, ClinGen allele CA391683717.

ClinVar aggregate classification (germline): Uncertain significance (1 of 4 stars; one submission).

Conditions:
EIF2AK4-related disorder. Also called: EIF2AK4-related condition.

Submission:

PreventionGenetics, part of Exact Sciences
Classification: Uncertain significance for EIF2AK4-related condition. Last evaluated: 2022-09-27. Review status: criteria provided, single submitter. Criteria: ACMG Guidelines, 2015. Collection method: clinical testing. Allele origin: germline.
Comment: The EIF2AK4 c.1849G>C variant is predicted to result in the amino acid substitution p.Ala617Pro. To our knowledge, this variant has not been reported in the literature or in a large population database, indicating this variant is rare. At this time, the clinical significance of this variant is uncertain due to the absence of conclusive functional and genetic evidence.